The following is an entry in ClinVar:

NM_001845.6(COL4A1):c.2842G>A (p.Gly948Ser)

Gene: COL4A1 (collagen type IV alpha 1 chain; minus strand). Cytogenetic location: 13q34.
Variant type: single nucleotide variant.
Coding change: c.2842G>A on transcript NM_001845.6 (MANE Select); coding-DNA position 2842, G replaced by A.
Protein change: p.Gly948Ser; replaces glycine 948 with serine.
Molecular consequence: missense variant.
Genome position (GRCh38, 1-based): chr13:110,176,912, C>T on the plus strand (G>A on the coding strand, the complement: COL4A1 is on the minus strand). VCF-style: chr13-110176912-C-T. GRCh37 (hg19) VCF-style: chr13-110829259-C-T.
Other names: short protein forms G948S.
Identifiers: ClinVar variation 496641 (VCV000496641.4), dbSNP rs1555303073, ClinGen allele CA388666800.

ClinVar aggregate classification (germline): Pathogenic (1 of 4 stars; one submission).

Conditions:
Optic nerve hypoplasia. Identifiers: MedGen C0338502, HP:0000609.

Submission:

Rare Disease Group, Clinical Genetics, Karolinska Institutet
Classification: Pathogenic for Optic nerve hypoplasia. Last evaluated: 2018-02-14. Review status: criteria provided, single submitter. Criteria: ACMG Guidelines, 2015. Collection method: research. Allele origin: de novo. Inheritance: Autosomal dominant inheritance. Affected: yes. Observed: 1 variant allele, 1 heterozygote.
Comment: The specific variant has previously been seen in schizencephaly with epilepsy and cerebral palsy, and other variants in COL4A1 in a number of studies have been seen in optic nerve hypoplasia. Also, the variant is de novo.